The following is an entry in ClinVar:

NM_001375567.1(FOCAD):c.4411C>T (p.Pro1471Ser)

Gene: FOCAD (focadhesin; plus strand). Cytogenetic location: 9p21.3.
Variant type: single nucleotide variant.
Coding change: c.4411C>T on transcript NM_001375567.1 (MANE Select); coding-DNA position 4411, C replaced by T.
Protein change: p.Pro1471Ser; replaces proline 1471 with serine.
Molecular consequence: missense variant.
Genome position (GRCh38, 1-based): chr9:20,981,459, C>T. VCF-style: chr9-20981459-C-T. GRCh37 (hg19) VCF-style: chr9-20981458-C-T.
Other names: c.4306C>T, p.Pro1436Ser (NM_001375568.1, NM_001375570.1); c.4411C>T, p.Pro1471Ser (NM_017794.5); short protein forms P1436S, P1471S.
Identifiers: ClinVar variation 3516499 (VCV003516499.3).
Genomic context (GRCh38, chr9:20,981,459, plus strand): 5'-ATTCAACCCCTTCTGTTTTACTTCCAGCTGAATACCAAGAGATATCTCCTGATATCTGCA[C>T]CTCTGTGGATAAAACACATCTCTGATGAACAGATCCTGGGTTTTGTTGAAAATTTAATGG-3'
Protein context (NP_001362496.1, residues 1461-1481): NTKRYLLISA[Pro1471Ser]LWIKHISDEQ

ClinVar aggregate classification (germline): Uncertain significance. Review status: criteria provided, multiple submitters, no conflicts (2 of 4 stars). 2 submissions from 2 submitters: Uncertain significance (2). Last evaluated 2025-04-02.

Conditions:
Inborn genetic diseases. Identifiers: MedGen C0950123, MeSH D030342.

gnomAD v4.1: 43 of 1,613,968 alleles (0.0027%); highest among the groups gnomAD compares: Non-Finnish European, 0.0035%; no homozygotes.

Submissions (2):

Labcorp Genetics (formerly Invitae), Labcorp
Classification: Uncertain significance. Last evaluated: 2025-04-02. Review status: criteria provided, single submitter. Criteria: Invitae Variant Classification Sherloc (09022015). Collection method: clinical testing. Allele origin: germline.
Comment: This sequence change replaces proline, which is neutral and non-polar, with serine, which is neutral and polar, at codon 1471 of the FOCAD protein (p.Pro1471Ser). This variant is present in population databases (rs140273318, gnomAD 0.01%). This variant has not been reported in the literature in individuals affected with FOCAD-related conditions. ClinVar contains an entry for this variant (Variation ID: 3516499). Experimental studies and prediction algorithms are not available or were not evaluated, and the functional significance of this variant is currently unknown. In summary, the available evidence is currently insufficient to determine the role of this variant in disease. Therefore, it has been classified as a Variant of Uncertain Significance.

Ambry Genetics
Classification: Uncertain significance for Inborn genetic diseases. Last evaluated: 2024-07-02. Review status: criteria provided, single submitter. Criteria: Ambry Variant Classification Scheme 2023. Collection method: clinical testing. Allele origin: germline.